The following is an entry in ClinVar:

ClinVar aggregate classification (germline): Pathogenic (0 of 4 stars; one submission).

Submission:

Hubei Clinical and Research Center of Thrombosis and Hemostasis Institute of Hematology, Union Hospital
Classification: Pathogenic. Review status: no assertion criteria provided. Collection method: not provided. Allele origin: inherited.
Comment: phenotypic: bleeding
ClinVar note: Converted during submission from pathogenic to Pathogenic.

NM_000130.4(F5):c.5392G>A (p.Glu1798Lys)

Gene: F5 (coagulation factor V; minus strand). Cytogenetic location: 1q24.2.
Variant type: single nucleotide variant.
Coding change: c.5392G>A on transcript NM_000130.4; coding-DNA position 5392, G replaced by A.
Protein change: p.Glu1798Lys; replaces glutamic acid 1798 with lysine.
Molecular consequence: missense variant (on NM_000130.5).
Genome position (GRCh38, 1-based): chr1:169,529,635, C>T on the plus strand (G>A on the coding strand, the complement: F5 is on the minus strand). VCF-style: chr1-169529635-C-T. GRCh37 (hg19) VCF-style: chr1-169498873-C-T.
Other names: c.5392G>A, p.Glu1798Lys (NM_000130.5); short protein forms E1798K.
Identifiers: ClinVar variation 56160 (VCV000056160.2), dbSNP rs386834227, ClinGen allele CA215971.